The following is an entry in ClinVar:

NM_032638.5(GATA2):c.57G>T (p.Ala19=)

Gene: GATA2 (GATA binding protein 2; minus strand). Cytogenetic location: 3q21.3.
Variant type: single nucleotide variant.
Coding change: c.57G>T on transcript NM_032638.5 (MANE Select); coding-DNA position 57, G replaced by T.
Protein change: p.Ala19=; no amino-acid change (alanine 19 retained).
Molecular consequence: synonymous variant.
Genome position (GRCh38, 1-based): chr3:128,486,975, C>A on the plus strand (G>T on the coding strand, the complement: GATA2 is on the minus strand). VCF-style: chr3-128486975-C-A. GRCh37 (hg19) VCF-style: chr3-128205818-C-A.
Other names: c.57G>T, p.Ala19= (NM_001145661.2, NM_001145662.1); c.57G>T (NM_001145661.1, NM_032638.4).
Identifiers: ClinVar variation 1094037 (VCV001094037.12), dbSNP rs2107673691, ClinGen allele CA435764639.

ClinVar aggregate classification (germline): Likely benign. Review status: criteria provided, multiple submitters, no conflicts (2 of 4 stars). 3 submissions from 3 submitters: Likely benign (2). 1 of the submissions does not count toward it. Last evaluated 2026-08-10.

Conditions:
GATA2-related disorder. Also called: GATA2-Related Disorders; GATA2-related condition.
Inborn genetic diseases. Identifiers: MedGen C0950123, MeSH D030342.
Monocytopenia with susceptibility to infections. Also called: IMMUNODEFICIENCY 21; GATA2 DEFICIENCY; COMBINED IMMUNODEFICIENCY WITH SUSCEPTIBILITY TO MYCOBACTERIAL, VIRAL, AND FUNGAL INFECTIONS; MONOCYTOPENIA AND MYCOBACTERIAL INFECTION SYNDROME; MONOCYTOPENIA WITH SUSCEPTIBILITY TO MYCOBACTERIAL, FUNGAL, AND PAPILLOMAVIRUS INFECTIONS AND MYELODYSPLASIA; Dendritic cell, monocyte, B lymphocyte, and natural killer lymphocyte deficiency. Identifiers: Orphanet 228423, MedGen C3280030, MONDO:0013607, OMIM 614172.
Deafness-lymphedema-leukemia syndrome. Also called: Lymphedema, primary, with myelodysplasia; Emberger syndrome. Identifiers: Orphanet 3226, MedGen C3279664, MONDO:0013540, OMIM 614038.

gnomAD v4.1: 2 of 1,610,586 alleles (0.00012%); highest among the groups gnomAD compares: Non-Finnish European, 0.00017%; no homozygotes.

Submissions (3):

Ambry Genetics
Classification: Likely benign for Inborn genetic diseases. Last evaluated: 2026-08-10. Review status: criteria provided, single submitter. Criteria: Ambry Variant Classification Scheme 2023. Collection method: clinical testing. Allele origin: germline.

Labcorp Genetics (formerly Invitae), Labcorp
Classification: Likely benign for Monocytopenia with susceptibility to infections; Deafness-lymphedema-leukemia syndrome. Last evaluated: 2022-12-22. Review status: criteria provided, single submitter. Criteria: Invitae Variant Classification Sherloc (09022015). Collection method: clinical testing. Allele origin: germline.

PreventionGenetics, part of Exact Sciences
Classification: Likely benign for GATA2-related condition. Last evaluated: 2021-09-11. Review status: no assertion criteria provided. Collection method: clinical testing. Allele origin: germline. Not counted in ClinVar's aggregate classification.
Comment: This variant is classified as likely benign based on ACMG/AMP sequence variant interpretation guidelines (Richards et al. 2015 PMID: 25741868, with internal and published modifications).